The following is an entry in ClinVar:

ClinVar aggregate classification (germline): Likely benign (1 of 4 stars; one submission).

Conditions:
Glycogen storage disease, type II (IOPD). Also called: Pompe Disease; CARDIOMEGALIA GLYCOGENICA DIFFUSA; GLYCOGENOSIS, GENERALIZED, CARDIAC FORM; GSD II; POMPE DISEASE, INFANTILE-ONSET; GLYCOGEN STORAGE DISEASE II, INFANTILE-ONSET. Identifiers: Orphanet 365, MedGen C0017921, MONDO:0009290, OMIM 232300.

Submission:

Genomenon, Inc
Classification: Likely benign for Glycogen storage disease, type II. Last evaluated: 2026-07-01. Review status: criteria provided, single submitter. Criteria: Genomenon Sequence Variant Interpretation Standards - Updated. Collection method: curation. Allele origin: germline. Affected: no.
Comment: GAA c.1953C>A is a synonymous variant that retains Glycine at codon 651. This variant has been reported in the published literature (PMID:35123877). It is absent or not present at a significant frequency in gnomAD. This variant is not predicted to impact splicing. In conclusion, we classify GAA c.1953C>A (p.Gly651=) as a likely benign variant.

Literature cited by the submitters: PubMed 35123877.

NM_000152.5(GAA):c.1953C>A (p.Gly651=)

Gene: GAA (alpha glucosidase; plus strand). Cytogenetic location: 17q25.3.
Variant type: single nucleotide variant.
Coding change: c.1953C>A on transcript NM_000152.5 (MANE Select); coding-DNA position 1953, C replaced by A.
Protein change: p.Gly651=; no amino-acid change (glycine 651 retained).
Molecular consequence: synonymous variant.
Genome position (GRCh38, 1-based): chr17:80,112,940, C>A. VCF-style: chr17-80112940-C-A. GRCh37 (hg19) VCF-style: chr17-78086739-C-A.
Other names: c.1953C>A, p.Gly651= (NM_001079803.3, NM_001079804.3, NM_001406741.1 and 1 more transcripts).
Identifiers: ClinVar variation 4876527 (VCV004876527.1).